The following is an entry in ClinVar:

ClinVar aggregate classification (germline): Pathogenic (1 of 4 stars; one submission).

Conditions:
Polycystic kidney disease 4 (PKD4). Also called: PKD3; Autosomal Recessive Polycystic Kidney Disease – PKHD1; POLYCYSTIC KIDNEY AND HEPATIC DISEASE 1; POLYCYSTIC KIDNEY DISEASE, INFANTILE, TYPE I; POLYCYSTIC KIDNEY DISEASE 4 WITH OR WITHOUT POLYCYSTIC LIVER DISEASE. Identifiers: MedGen C4540575, MONDO:0033004, OMIM 263200.

Submission:

Myriad Genetics, Inc.
Classification: Pathogenic for Polycystic kidney disease 4. Last evaluated: 2026-07-04. Review status: criteria provided, single submitter. Criteria: Myriad Autosomal Dominant, Autosomal Recessive and X-Linked Classification Criteria (2023). Collection method: clinical testing. Allele origin: unknown.
Comment: NM_138694.3(PKHD1):c.8604G>A(W2868*) is expected to be pathogenic in the context of autosomal recessive polycystic kidney disease, PKHD1-related. This variant is predicted to lead to an abnormal or absent protein product due to the creation of a premature termination codon in PKHD1, a gene where loss-of-function variants are known to be pathogenic. Please note: this variant was assessed in the context of healthy population screening.

NM_138694.4(PKHD1):c.8604G>A (p.Trp2868Ter)

Gene: PKHD1 (PKHD1 ciliary IPT domain containing fibrocystin/polyductin; minus strand). Cytogenetic location: 6p12.3.
Variant type: single nucleotide variant.
Coding change: c.8604G>A on transcript NM_138694.4 (MANE Select); coding-DNA position 8604, G replaced by A.
Protein change: p.Trp2868Ter; replaces tryptophan 2868 with a stop codon.
Molecular consequence: nonsense.
Genome position (GRCh38, 1-based): chr6:51,772,740, C>T on the plus strand (G>A on the coding strand, the complement: PKHD1 is on the minus strand). VCF-style: chr6-51772740-C-T. GRCh37 (hg19) VCF-style: chr6-51637538-C-T.
Other names: c.8604G>A, p.Trp2868Ter (NM_170724.3); short protein forms W2868*.
Identifiers: ClinVar variation 5016109 (VCV005016109.1).